The following is an entry in ClinVar:

NM_030928.4(CDT1):c.58A>G (p.Ile20Val)

Genes: CDT1 (chromatin licensing and DNA replication factor 1; plus strand), LOC130059759 (ATAC-STARR-seq lymphoblastoid silent region 7878; plus strand). Cytogenetic location: 16q24.3.
Variant type: single nucleotide variant.
Coding change: c.58A>G on transcript NM_030928.4 (MANE Select); coding-DNA position 58, A replaced by G.
Protein change: p.Ile20Val; replaces isoleucine 20 with valine.
Molecular consequence: missense variant.
Genome position (GRCh38, 1-based): chr16:88,803,889, A>G. VCF-style: chr16-88803889-A-G. GRCh37 (hg19) VCF-style: chr16-88870297-A-G.
Other names: short protein forms I20V.
Identifiers: ClinVar variation 1486949 (VCV001486949.6), dbSNP rs2142940733, ClinGen allele CA397069928.

ClinVar aggregate classification (germline): Uncertain significance (1 of 4 stars; one submission).

Submission:

Labcorp Genetics (formerly Invitae), Labcorp
Classification: Uncertain significance. Last evaluated: 2022-09-01. Review status: criteria provided, single submitter. Criteria: Invitae Variant Classification Sherloc (09022015). Collection method: clinical testing. Allele origin: germline.
Comment: In summary, the available evidence is currently insufficient to determine the role of this variant in disease. Therefore, it has been classified as a Variant of Uncertain Significance. Algorithms developed to predict the effect of missense changes on protein structure and function (SIFT, PolyPhen-2, Align-GVGD) all suggest that this variant is likely to be tolerated. ClinVar contains an entry for this variant (Variation ID: 1486949). This variant has not been reported in the literature in individuals affected with CDT1-related conditions. This variant is not present in population databases (gnomAD no frequency). This sequence change replaces isoleucine, which is neutral and non-polar, with valine, which is neutral and non-polar, at codon 20 of the CDT1 protein (p.Ile20Val).